The following is an entry in ClinVar:

NM_004519.4(KCNQ3):c.913G>T (p.Asp305Tyr)

Gene: KCNQ3 (potassium voltage-gated channel subfamily Q member 3; minus strand). Cytogenetic location: 8q24.22.
Variant type: single nucleotide variant.
Coding change: c.913G>T on transcript NM_004519.4 (MANE Select); coding-DNA position 913, G replaced by T.
Protein change: p.Asp305Tyr; replaces aspartic acid 305 with tyrosine.
Molecular consequence: missense variant.
Genome position (GRCh38, 1-based): chr8:132,175,473, C>A on the plus strand (G>T on the coding strand, the complement: KCNQ3 is on the minus strand). VCF-style: chr8-132175473-C-A. GRCh37 (hg19) VCF-style: chr8-133187720-C-A.
Other names: c.553G>T, p.Asp185Tyr (NM_001204824.2); short protein forms D185Y, D305Y.
Identifiers: ClinVar variation 427162 (VCV000427162.2), dbSNP rs1085307996, ClinGen allele CA372290332.

ClinVar aggregate classification (germline): Likely pathogenic (1 of 4 stars; one submission).

Submission:

GeneDx
Classification: Likely pathogenic. Last evaluated: 2015-05-11. Review status: criteria provided, single submitter. Criteria: GeneDx Variant Classification (06012015). Collection method: clinical testing. Allele origin: germline. Affected: yes.
Comment: The D305Y variant has not been published as a pathogenic variant, nor has it been reported as a benign polymorphism to our knowledge. It was not observed in approximately 6,500 individuals of European and African American ancestry in the NHLBI Exome Sequencing Project, indicating it is not a common benign variant in these populations. The D305Y variant is a non-conservative amino acid substitution, which is likely to impact secondary protein structure as these residues differ in polarity, charge, size and/or other properties. This substitution occurs at a position that is conserved across species. In silico analysis predicts this variant is probably damaging to the protein structure/function. A different amino acid substitution at the same position (D305G) and nearby missense variant (E299K, W309R, G310V) have been reported in the Human Gene Mutation Database in association with benign neonatal epilepsy (Stenson et al., 2014), supporting the functional importance of this region of the protein. Therefore, this variant is a strong candidate for a pathogenic variant, however the possibility that it is a benign variant cannot be excluded